The following is an entry in ClinVar:

NM_001042492.3(NF1):c.641A>G (p.Asn214Ser)

Gene: NF1 (neurofibromin 1; plus strand). Cytogenetic location: 17q11.2.
Variant type: single nucleotide variant.
Coding change: c.641A>G on transcript NM_001042492.3 (MANE Select); coding-DNA position 641, A replaced by G.
Protein change: p.Asn214Ser; replaces asparagine 214 with serine.
Molecular consequence: missense variant.
Genome position (GRCh38, 1-based): chr17:31,181,476, A>G. VCF-style: chr17-31181476-A-G. GRCh37 (hg19) VCF-style: chr17-29508494-A-G.
Other names: c.641A>G, p.Asn214Ser (NM_000267.4, NM_001128147.3); short protein forms N214S.
Identifiers: ClinVar variation 1472914 (VCV001472914.8), dbSNP rs746291745, ClinGen allele CA8485577.

ClinVar aggregate classification (germline): Uncertain significance (1 of 4 stars; one submission).

Conditions:
Neurofibromatosis, type 1 (NF1). Also called: Neurofibromatosis, type I; VON RECKLINGHAUSEN DISEASE; NEUROFIBROMATOSIS, TYPE I, SOMATIC; Peripheral type neurofibromatosis. Identifiers: Orphanet 636, MedGen C0027831, MONDO:0018975, OMIM 162200. Disease mechanism: loss of function.

Allele frequency attached by ClinVar (database versions not stated): gnomAD exomes below 0.00001; ExAC 0.00001.
gnomAD v4.1: 1 of 1,613,568 alleles (0.000062%); highest among the groups gnomAD compares: South Asian, 0.0011%; no homozygotes.

Submission:

Labcorp Genetics (formerly Invitae), Labcorp
Classification: Uncertain significance for Neurofibromatosis, type 1. Last evaluated: 2025-11-17. Review status: criteria provided, single submitter. Criteria: Invitae Variant Classification Sherloc (09022015). Collection method: clinical testing. Allele origin: germline.
Comment: This sequence change replaces asparagine, which is neutral and polar, with serine, which is neutral and polar, at codon 214 of the NF1 protein (p.Asn214Ser). This variant is present in population databases (rs746291745, gnomAD 0.003%). This variant has not been reported in the literature in individuals affected with NF1-related conditions. ClinVar contains an entry for this variant (Variation ID: 1472914). Invitae Evidence Modeling of protein sequence and biophysical properties (such as structural, functional, and spatial information, amino acid conservation, physicochemical variation, residue mobility, and thermodynamic stability) indicates that this missense variant is not expected to disrupt NF1 protein function with a negative predictive value of 95%. In summary, the available evidence is currently insufficient to determine the role of this variant in disease. Therefore, it has been classified as a Variant of Uncertain Significance.